The following is an entry in ClinVar:

ClinVar aggregate classification (germline): Likely pathogenic (1 of 4 stars; one submission).

Conditions:
PCNT-related disorder. Also called: PCNT-related condition.

Submission:

PreventionGenetics, part of Exact Sciences
Classification: Likely pathogenic for PCNT-related condition. Last evaluated: 2025-03-26. Review status: criteria provided, single submitter. Criteria: ACMG Guidelines, 2015. Collection method: clinical testing. Allele origin: germline.
Comment: The PCNT c.1636C>T variant is predicted to result in premature protein termination (p.Gln546*). To our knowledge, this variant has not been reported in the literature or in a large population database (gnomAD), indicating this variant is rare. Nonsense variants in PCNT are expected to be pathogenic. This variant is interpreted as likely pathogenic.

NM_006031.6(PCNT):c.1636C>T (p.Gln546Ter)

Gene: PCNT (pericentrin; plus strand). Cytogenetic location: 21q22.3.
Variant type: single nucleotide variant.
Coding change: c.1636C>T on transcript NM_006031.6 (MANE Select); coding-DNA position 1636, C replaced by T.
Protein change: p.Gln546Ter; replaces glutamine 546 with a stop codon.
Molecular consequence: nonsense.
Genome position (GRCh38, 1-based): chr21:46,353,283, C>T. VCF-style: chr21-46353283-C-T. GRCh37 (hg19) VCF-style: chr21-47773197-C-T.
Other names: c.1282C>T, p.Gln428Ter (NM_001315529.2); short protein forms Q428*, Q546*.
Identifiers: ClinVar variation 4998349 (VCV004998349.1).